The following is an entry in ClinVar:

ClinVar aggregate classification (germline): Pathogenic (1 of 4 stars; one submission).

Conditions:
Fanconi anemia (FA). Also called: Fanconi's anemia. Identifiers: Orphanet 84, MedGen C0015625, MeSH D005199, MONDO:0019391.

Submission:

Labcorp Genetics (formerly Invitae), Labcorp
Classification: Pathogenic for Fanconi anemia. Last evaluated: 2023-11-05. Review status: criteria provided, single submitter. Criteria: Invitae Variant Classification Sherloc (09022015). Collection method: clinical testing. Allele origin: germline.
Comment: This sequence change creates a premature translational stop signal (p.Asp946Glufs*22) in the FANCI gene. It is expected to result in an absent or disrupted protein product. Loss-of-function variants in FANCI are known to be pathogenic (PMID: 17452773, 17460694). This variant is not present in population databases (gnomAD no frequency). This variant has not been reported in the literature in individuals affected with FANCI-related conditions. For these reasons, this variant has been classified as Pathogenic.

Literature cited by the submitters: PubMed 17452773; PubMed 17460694.

NM_001113378.2(FANCI):c.2838del (p.Asp946fs)

Gene: FANCI (FA complementation group I; plus strand). Cytogenetic location: 15q26.1.
Variant type: Deletion.
Coding change: c.2838del on transcript NM_001113378.2 (MANE Select); coding-DNA position 2838, one base deleted (T; older notation c.2838delT).
Protein change: p.Asp946fs; shifts the reading frame from aspartic acid 946.
Molecular consequence: frameshift variant.
Genome position (GRCh38, 1-based): chr15:89,300,334, T deleted. VCF-style (leftmost placement, unchanged base first): chr15-89300333-AT-A. GRCh37 (hg19) VCF-style: chr15-89843564-AT-A.
Other names: c.2559del, p.Asp853fs (NM_001376910.1); c.2838del, p.Asp946fs (NM_001376911.1); c.2658del, p.Asp886fs (NM_018193.3); short protein forms D853fs, D886fs, D946fs.
Identifiers: ClinVar variation 2811184 (VCV002811184.3), dbSNP rs2507878942, ClinGen allele CA2739269656.
Genomic context (GRCh38, chr15:89,300,333, plus strand): 5'-AGACAAGAGTTTCTTTTCCATTCCTAGATGTCACAGATAAGGAAGGAGAAGAGAGAGAAG[AT>A]GCAGATGTCAGTGTCACTCAGAGAACAGCATTCCAGATCCGGCAATTTCAGGTGAGAAGC-3'